The following is an entry in ClinVar:

NM_000169.3(GLA):c.7del (p.Gln2_Leu3insTer)

Genes: GLA (galactosidase alpha; minus strand), RPL36A-HNRNPH2 (RPL36A-HNRNPH2 readthrough; plus strand). Cytogenetic location: Xq22.1.
Variant type: Deletion.
Coding change: c.7del on transcript NM_000169.3 (MANE Select); coding-DNA position 7, one base deleted (C; older notation c.7delC).
Protein change: p.Gln2_Leu3insTer.
Molecular consequence: nonsense. On other transcripts: non-coding transcript variant (3), intron variant (2).
Genome position (GRCh38, 1-based): chrX:101,407,897, G deleted on the plus strand (C on the coding strand, the reverse complement: GLA is on the minus strand). VCF-style (leftmost placement, unchanged base first): chrX-101407896-AG-A. GRCh37 (hg19) VCF-style: chrX-100662884-AG-A.
Other names: c.7del, p.Gln2_Leu3insTer (NM_001406747.1, NM_001406748.1, NM_001406749.1); c.301-4039del (NM_001199973.2); c.178-4039del (NM_001199974.2).
Identifiers: ClinVar variation 4719839 (VCV004719839.1).

ClinVar aggregate classification (germline): Pathogenic (1 of 4 stars; one submission).

Conditions:
Fabry disease. Also called: Fabry's disease; ALPHA-GALACTOSIDASE A DEFICIENCY; ANDERSON-FABRY DISEASE; CERAMIDE TRIHEXOSIDASE DEFICIENCY; GLA DEFICIENCY; HEREDITARY DYSTOPIC LIPIDOSIS. Identifiers: Orphanet 324, MedGen C0002986, MONDO:0010526, OMIM 301500, HP:0001071. Disease mechanism: Fabry disease is due to inactivating mutations in the X-linked GLA gene resulting in deficiency of the enzyme Alpha Galactosidase-A., loss of function.

Submission:

Labcorp Genetics (formerly Invitae), Labcorp
Classification: Pathogenic for Fabry disease. Last evaluated: 2025-09-18. Review status: criteria provided, single submitter. Criteria: Invitae Variant Classification Sherloc (09022015). Collection method: clinical testing. Allele origin: germline.
Comment: This sequence change creates a premature translational stop signal (p.Leu3*) in the GLA gene. It is expected to result in an absent or disrupted protein product. Loss-of-function variants in GLA are known to be pathogenic (PMID: 10666480, 12175777). This variant is not present in population databases (gnomAD no frequency). This variant has not been reported in the literature in individuals affected with GLA-related conditions. For these reasons, this variant has been classified as Pathogenic.

Literature cited by the submitters: PubMed 10666480; PubMed 12175777.